The following is an entry in ClinVar:

ClinVar aggregate classification (germline): Pathogenic (1 of 4 stars; one submission).

Conditions:
Charcot-Marie-Tooth disease type 2. Also called: Charcot-Marie-Tooth type 2. Identifiers: Orphanet 64746, MedGen C0270914, MONDO:0018993.

Submission:

Labcorp Genetics (formerly Invitae), Labcorp
Classification: Pathogenic for Charcot-Marie-Tooth disease type 2. Last evaluated: 2019-06-21. Review status: criteria provided, single submitter. Criteria: Invitae Variant Classification Sherloc (09022015). Collection method: clinical testing. Allele origin: germline.
Comment: For these reasons, this variant has been classified as Pathogenic. Algorithms developed to predict the effect of missense changes on protein structure and function (SIFT, PolyPhen-2, Align-GVGD) all suggest that this variant is likely to be disruptive, but these predictions have not been confirmed by published functional studies and their clinical significance is uncertain. This variant has been shown to arise de novo in an individual affected with Charcot-Marie-Tooth disease (CMT) type 2 (PMID: 26244500). In addition, it has been observed in 2 affected individuals (Invitae). This variant is also known as p.M238R in the literature. ClinVar contains an entry for this variant (Variation ID: 457156). This variant is not present in population databases (ExAC no frequency). This sequence change replaces methionine with arginine at codon 292 of the GARS protein (p.Met292Arg). The methionine residue is moderately conserved and there is a moderate physicochemical difference between methionine and arginine.

Literature cited by the submitters: PubMed 26244500.

NM_002047.4(GARS1):c.875T>G (p.Met292Arg)

Gene: GARS1 (glycyl-tRNA synthetase 1; plus strand). Cytogenetic location: 7p14.3.
Variant type: single nucleotide variant.
Coding change: c.875T>G on transcript NM_002047.4 (MANE Select); coding-DNA position 875, T replaced by G.
Protein change: p.Met292Arg; replaces methionine 292 with arginine.
Molecular consequence: missense variant.
Genome position (GRCh38, 1-based): chr7:30,609,724, T>G. VCF-style: chr7-30609724-T-G. GRCh37 (hg19) VCF-style: chr7-30649340-T-G.
Other names: c.875T>G (LRG_243t1); c.713T>G, p.Met238Arg (NM_001316772.1); short protein forms M292R, M238R.
Identifiers: ClinVar variation 476764 (VCV000476764.9), dbSNP rs1064795123, ClinGen allele CA367124717.